The following is an entry in ClinVar:

NM_001267550.2(TTN):c.14093-138C>T

Gene: TTN (titin; minus strand). Cytogenetic location: 2q31.2.
Variant type: single nucleotide variant.
Coding change: c.14093-138C>T on transcript NM_001267550.2 (MANE Select); 138 bases into the intron before coding-DNA position 14093, C replaced by T.
Molecular consequence: intron variant.
Genome position (GRCh38, 1-based): chr2:178,738,498, G>A on the plus strand (C>T on the coding strand, the complement: TTN is on the minus strand). VCF-style: chr2-178738498-G-A. GRCh37 (hg19) VCF-style: chr2-179603225-G-A.
Other names: c.13004-138C>T (NM_003319.4); c.13580-138C>T (NM_133437.4); c.13379-138C>T (NM_133432.3); c.10361-138C>T (NM_133378.4); c.13142-138C>T (NM_001256850.1).
Identifiers: ClinVar variation 673089 (VCV000673089.1), dbSNP rs2253324, ClinGen allele CA60982551.

ClinVar aggregate classification (germline): Benign (1 of 4 stars; one submission).

Allele frequency attached by ClinVar (database versions not stated): gnomAD 0.04803 and 0.05004; gnomAD exomes 0.04904; TOPMed 0.06092; 1000 Genomes Project 30x 0.07573; 1000 Genomes Project 0.07588.
gnomAD v4.1: 52,090 of 1,058,836 alleles (4.9%); highest among the groups gnomAD compares: East Asian, 18%; 2,064 homozygotes.

Submission:

GeneDx
Classification: Benign. Last evaluated: 2018-06-19. Review status: criteria provided, single submitter. Criteria: GeneDx Variant Classification (06012015). Collection method: clinical testing. Allele origin: germline. Affected: yes.
Comment: This variant is considered likely benign or benign based on one or more of the following criteria: it is a conservative change, it occurs at a poorly conserved position in the protein, it is predicted to be benign by multiple in silico algorithms, and/or has population frequency not consistent with disease.